The following is an entry in ClinVar:

ClinVar aggregate classification (germline): Pathogenic (1 of 4 stars; one submission).

Conditions:
Coffin-Lowry syndrome (CLS). Also called: COFFIN-LOWRY SYNDROME, MILD; Mental retardation with osteocartilaginous abnormalities. Identifiers: Orphanet 192, MedGen C0265252, MONDO:0010561, OMIM 303600.
Intellectual developmental disorder, X-linked 19. Also called: Intellectual disability, X-linked 19. Identifiers: Orphanet 777, MedGen C0796225, MONDO:0010447, OMIM 300844.

Submission:

Labcorp Genetics (formerly Invitae), Labcorp
Classification: Pathogenic for Coffin-Lowry syndrome; Intellectual developmental disorder, X-linked 19. Last evaluated: 2022-04-11. Review status: criteria provided, single submitter. Criteria: Invitae Variant Classification Sherloc (09022015). Collection method: clinical testing. Allele origin: germline.
Comment: This variant has been observed in individual(s) with clinical features of Coffin-Lowry syndrome (Invitae). In at least one individual the variant was observed to be de novo. For these reasons, this variant has been classified as Pathogenic. Variants that disrupt the consensus splice site are a relatively common cause of aberrant splicing (PMID: 17576681, 9536098). Algorithms developed to predict the effect of sequence changes on RNA splicing suggest that this variant may disrupt the consensus splice site. This variant is not present in population databases (gnomAD no frequency). This sequence change falls in intron 17 of the RPS6KA3 gene. It does not directly change the encoded amino acid sequence of the RPS6KA3 protein. It affects a nucleotide within the consensus splice site.

Literature cited by the submitters: PubMed 17576681; PubMed 9536098.

NM_004586.3(RPS6KA3):c.1602+2dup

Gene: RPS6KA3 (ribosomal protein S6 kinase A3; minus strand). Cytogenetic location: Xp22.12.
Variant type: Duplication.
Coding change: c.1602+2dup on transcript NM_004586.3 (MANE Select); the canonical splice donor site of the intron after coding-DNA position 1602, one base duplicated (T; older notation c.1602+2dupT).
Molecular consequence: splice donor variant.
Genome position (GRCh38, 1-based): chrX:20,167,587, A duplicated on the plus strand (T on the coding strand, the reverse complement: RPS6KA3 is on the minus strand). VCF-style (leftmost placement, unchanged base first): chrX-20167586-T-TA. GRCh37 (hg19) VCF-style: chrX-20185704-T-TA.
Identifiers: ClinVar variation 2108477 (VCV002108477.4), dbSNP rs2519639584, ClinGen allele CA2580100455.